The following is an entry in ClinVar:

ClinVar aggregate classification (germline): Pathogenic/Likely pathogenic. Review status: criteria provided, multiple submitters, no conflicts (2 of 4 stars). 2 submissions from 2 submitters: Pathogenic (1); Likely pathogenic (1). Last evaluated 2024-04-11.

Conditions:
Chronic granulomatous disease. Identifiers: Orphanet 379, MedGen C0018203, MONDO:0018305.
Granulomatous disease, chronic, autosomal recessive, cytochrome b-negative. Also called: GRANULOMATOUS DISEASE, CHRONIC, AUTOSOMAL RECESSIVE, 4; Chronic granulomatous disease, autosomal, due to deficiency of CYBA; CGD DUE TO DEFICIENCY OF THE ALPHA SUBUNIT OF CYTOCHROME b; CGD, AUTOSOMAL RECESSIVE CYTOCHROME b-NEGATIVE; CYBA DEFICIENCY. Identifiers: Orphanet 379, MedGen C1856255, MONDO:0009308, OMIM 233690.

Submissions (2):

Natera, Inc.
Classification: Likely pathogenic for Chronic granulomatous disease. Last evaluated: 2024-04-11. Review status: criteria provided, single submitter. Criteria: Natera Variant Classification Schema (03/2026). Collection method: clinical testing. Allele origin: germline.
Comment: The c.267delT variant in CYBA is a frameshift variant predicted to shift the reading frame beginning at codon 90 and leads to a stop codon 101 codons downstream. This variant is expected to result in nonsense mediated decay, truncation, or a dysfunctional protein product. This variant is rare in the general population with a frequency below the threshold expected for the associated phenotype(s). Given the available evidence, this variant is classified as Likely Pathogenic.

Labcorp Genetics (formerly Invitae), Labcorp
Classification: Pathogenic for Granulomatous disease, chronic, autosomal recessive, cytochrome b-negative. Last evaluated: 2022-09-14. Review status: criteria provided, single submitter. Criteria: Invitae Variant Classification Sherloc (09022015). Collection method: clinical testing. Allele origin: germline.
Comment: For these reasons, this variant has been classified as Pathogenic. This variant disrupts a region of the CYBA protein in which other variant(s) (p.Val99Profs*90) have been determined to be pathogenic (PMID: 16937026, 18546332, 22562447, 23002911). This suggests that this is a clinically significant region of the protein, and that variants that disrupt it are likely to be disease-causing. This variant has not been reported in the literature in individuals affected with CYBA-related conditions. This variant is not present in population databases (gnomAD no frequency). This sequence change creates a premature translational stop signal (p.Arg90Glyfs*101) in the CYBA gene. While this is not anticipated to result in nonsense mediated decay, it is expected to disrupt the last 106 amino acid(s) of the CYBA protein.

Literature cited by the submitters: PubMed 16937026 (cited by Labcorp Genetics (formerly Invitae), Labcorp); PubMed 18546332 (cited by Labcorp Genetics (formerly Invitae), Labcorp); PubMed 22562447 (cited by Labcorp Genetics (formerly Invitae), Labcorp); PubMed 23002911 (cited by Labcorp Genetics (formerly Invitae), Labcorp).

NM_000101.4(CYBA):c.267del (p.Arg90fs)

Gene: CYBA (cytochrome b-245 alpha chain; minus strand). Cytogenetic location: 16q24.2.
Variant type: Deletion.
Coding change: c.267del on transcript NM_000101.4 (MANE Select); coding-DNA position 267, one base deleted (T; older notation c.267delT).
Protein change: p.Arg90fs; shifts the reading frame from arginine 90.
Molecular consequence: frameshift variant.
Genome position (GRCh38, 1-based): chr16:88,646,775, A deleted on the plus strand (T on the coding strand, the reverse complement: CYBA is on the minus strand); the first of 2 consecutive A bases (chr16:88,646,775-88,646,776); deleting either gives the same sequence. VCF-style (leftmost placement, unchanged base first): chr16-88646774-GA-G. GRCh37 (hg19) VCF-style: chr16-88713182-GA-G.
Other names: c.267delT (NM_000101.3); short protein forms R90fs.
Identifiers: ClinVar variation 2070087 (VCV002070087.5), dbSNP rs2507529918, ClinGen allele CA2580092252.
Genomic context (GRCh38, chr16:88,646,774, plus strand): 5'-GCCCTCCTGAGCCCTAGAGGGGGTGCGGGACGGGGACTCACAGGAGATGCAGGACGGCCC[GA>G]ACATAGTAATTCCTGGTAAAGGGCCCGAACAGCTTCACCACGGCGGTCATGTACTTCTGT-3'